The following is an entry in ClinVar:

NM_014225.6(PPP2R1A):c.78+3_78+41dup

Gene: PPP2R1A (protein phosphatase 2 scaffold subunit Aalpha; plus strand). Cytogenetic location: 19q13.41.
Variant type: Duplication.
Coding change: c.78+3_78+41dup on transcript NM_014225.6 (MANE Select); bases 3 to 41 of the intron after coding-DNA position 78, 39 bases duplicated.
Molecular consequence: splice donor variant.
Genome position (GRCh38, 1-based): chr19:52,190,177-52,190,215, 39 bases duplicated; duplicating any 39 consecutive bases within chr19:52,190,174-52,190,215 gives the same sequence; the c. name uses the placement nearest the transcript's 3' end. GRCh37 (hg19): chr19:52,693,430-52,693,468.
Identifiers: ClinVar variation 4768884 (VCV004768884.1).

ClinVar aggregate classification (germline): Uncertain significance (1 of 4 stars; one submission).

Submission:

Labcorp Genetics (formerly Invitae), Labcorp
Classification: Uncertain significance. Last evaluated: 2025-06-14. Review status: criteria provided, single submitter. Criteria: Invitae Variant Classification Sherloc (09022015). Collection method: clinical testing. Allele origin: germline.
Comment: This sequence change falls in intron 1 of the PPP2R1A gene. It does not directly change the encoded amino acid sequence of the PPP2R1A protein. The frequency data for this variant in the population databases is considered unreliable, as metrics indicate poor data quality at this position in the gnomAD database. This variant has not been reported in the literature in individuals affected with PPP2R1A-related conditions. Experimental studies and prediction algorithms are not available or were not evaluated, and the effect of this variant on mRNA splicing is currently unknown. In summary, the available evidence is currently insufficient to determine the role of this variant in disease. Therefore, it has been classified as a Variant of Uncertain Significance.